The following is an entry in ClinVar:

NM_001165963.4(SCN1A):c.5602_5603insATCC (p.Leu1868fs)

Genes: SCN1A (sodium voltage-gated channel alpha subunit 1; minus strand), LOC102724058 (uncharacterized LOC102724058; plus strand). Cytogenetic location: 2q24.3.
Variant type: Insertion.
Coding change: c.5602_5603insATCC on transcript NM_001165963.4 (MANE Select); coding-DNA positions 5602 to 5603, ATCC inserted.
Protein change: p.Leu1868fs; shifts the reading frame from leucine 1868.
Molecular consequence: frameshift variant. On other transcripts: non-coding transcript variant (1).
Genome position: GRCh38 VCF-style: chr2-165991672-A-AGGAT. GRCh37 (hg19) VCF-style: chr2-166848182-A-AGGAT.
Other names: c.5518_5519insATCC, p.Leu1840fs (NM_001165964.3, NM_001353957.2, NM_001353958.2); c.5602_5603insATCC, p.Leu1868fs (NM_001202435.3, NM_001353948.2); c.5569_5570insATCC, p.Leu1857fs (NM_001353949.2, NM_001353950.2, NM_001353951.2 and 2 more transcripts); c.5566_5567insATCC, p.Leu1856fs (NM_001353954.2, NM_001353955.2); c.5515_5516insATCC, p.Leu1839fs (NM_001353960.2); c.3160_3161insATCC, p.Leu1054fs (NM_001353961.2); short protein forms L1054fs, L1839fs, L1840fs, L1856fs, L1857fs, L1868fs.
Identifiers: ClinVar variation 3377029 (VCV003377029.1).

ClinVar aggregate classification (germline): Pathogenic (1 of 4 stars; one submission).

Conditions:
Severe myoclonic epilepsy in infancy (DRVT). Also called: Severe Myoclonic Epilepsy in Infancy (SMEI); Dravet syndrome; SEVERE MYOCLONIC EPILEPSY OF INFANCY; DEVELOPMENTAL AND EPILEPTIC ENCEPHALOPATHY 6A; Epileptic encephalopathy, early infantile, 6 (Dravet syndrome). Identifiers: Orphanet 33069, MedGen C0751122, MONDO:0100135, OMIM 607208.

Submission:

Victorian Clinical Genetics Services, Murdoch Childrens Research Institute
Classification: Pathogenic for Severe myoclonic epilepsy in infancy. Last evaluated: 2024-10-11. Review status: criteria provided, single submitter. Criteria: ACMG Guidelines, 2015. Collection method: clinical testing. Allele origin: germline. Inheritance: Autosomal dominant inheritance. Affected: yes.
Comment: Based on the classification scheme VCGS_Germline_v1.3.5, this variant is classified as Pathogenic. Following criteria are met: 0103 - Loss of function and gain of function are known mechanisms of disease in this gene and are associated with SCN1A-related epilepsy (PMID: 28488083). (I) 0107 - This gene is associated with autosomal dominant disease. (I) 0112 - The condition associated with this gene has incomplete penetrance. Penetrance has been noted to vary by phenotype (PMID: 20301494). (I) 0115 - Variants in this gene are known to have variable expressivity. Both intrafamilial and interfamilial variability has been observed (PMID: 20301494). (I) 0205 - Variant is predicted to result in a truncated protein (premature termination codon is NOT located at least 54 nucleotides upstream of the final exon-exon junction) with less than 1/3 of the protein sequence affected. (SP) 0251 - This variant is heterozygous. (I) 0301 - Variant is absent from gnomAD (v2, v3 and v4). (SP) 0701 - Other protein truncating variants comparable to the one identified in this case have very strong previous evidence for pathogenicity (DECIPHER). (SP) 0807 - This variant has no previous evidence of pathogenicity. (I) 0905 - No published segregation evidence has been identified for this variant. (I) 1007 - No published functional evidence has been identified for this variant. (I) Legend: (SP) - Supporting pathogenic, (I) - Information, (SB) - Supporting benign

Literature cited by the submitters: PubMed 20301494; PubMed 28488083.